The following is an entry in ClinVar:

ClinVar aggregate classification (germline): Uncertain significance (1 of 4 stars; one submission).

Conditions:
Epilepsy, progressive myoclonic, 1B. Also called: PME. Identifiers: Orphanet 308, MedGen C2676254, MONDO:0012904, OMIM 612437.

gnomAD v4.1: 5 of 1,614,156 alleles (0.00031%); highest among the groups gnomAD compares: East Asian, 0.0022%; no homozygotes.

Submission:

Labcorp Genetics (formerly Invitae), Labcorp
Classification: Uncertain significance for Epilepsy, progressive myoclonic, 1B. Last evaluated: 2021-09-26. Review status: criteria provided, single submitter. Criteria: Invitae Variant Classification Sherloc (09022015). Collection method: clinical testing. Allele origin: germline.
Comment: In summary, the available evidence is currently insufficient to determine the role of this variant in disease. Therefore, it has been classified as a Variant of Uncertain Significance. Algorithms developed to predict the effect of missense changes on protein structure and function (SIFT, PolyPhen-2, Align-GVGD) all suggest that this variant is likely to be disruptive. This variant has not been reported in the literature in individuals affected with PRICKLE1-related conditions. This variant is not present in population databases (ExAC no frequency). This sequence change replaces alanine with valine at codon 248 of the PRICKLE1 protein (p.Ala248Val). The alanine residue is highly conserved and there is a small physicochemical difference between alanine and valine.

NM_153026.3(PRICKLE1):c.743C>T (p.Ala248Val)

Gene: PRICKLE1 (prickle planar cell polarity protein 1; minus strand). Cytogenetic location: 12q12.
Variant type: single nucleotide variant.
Coding change: c.743C>T on transcript NM_153026.3 (MANE Select); coding-DNA position 743, C replaced by T.
Protein change: p.Ala248Val; replaces alanine 248 with valine.
Molecular consequence: missense variant.
Genome position (GRCh38, 1-based): chr12:42,466,226, G>A on the plus strand (C>T on the coding strand, the complement: PRICKLE1 is on the minus strand). VCF-style: chr12-42466226-G-A. GRCh37 (hg19) VCF-style: chr12-42860028-G-A.
Other names: c.743C>T, p.Ala248Val (NM_001144881.2, NM_001144882.2, NM_001144883.2); short protein forms A248V.
Identifiers: ClinVar variation 580710 (VCV000580710.4), dbSNP rs1566082169, ClinGen allele CA384443277.
Genomic context (GRCh38, chr12:42,466,226, plus strand): 5'-AGGGCAGACGGGCTGGCTGTGGACTTACCAATATGTTCCCCACAGGTTTCACAGTACTCC[G>A]CATAGAGAGACTCAAAACAGCCACAGCAGAAGGGGCGGCCGTCCTTCATGATATACCTCT-3'
Protein context (NP_694571.2, residues 238-258): FCCGCFESLY[Ala248Val]EYCETCGEHI